The following is an entry in ClinVar:

ClinVar aggregate classification (germline): Uncertain significance (1 of 4 stars; one submission).

gnomAD v4.1: 1 of 1,211,520 alleles (0.000083%); highest among the groups gnomAD compares: Non-Finnish European, 0.00011%; no homozygotes.

Submission:

Labcorp Genetics (formerly Invitae), Labcorp
Classification: Uncertain significance. Last evaluated: 2024-02-24. Review status: criteria provided, single submitter. Criteria: Invitae Variant Classification Sherloc (09022015). Collection method: clinical testing. Allele origin: germline.
Comment: This sequence change replaces glutamic acid, which is acidic and polar, with lysine, which is basic and polar, at codon 576 of the FGD1 protein (p.Glu576Lys). This variant is not present in population databases (gnomAD no frequency). This variant has not been reported in the literature in individuals affected with FGD1-related conditions. Advanced modeling of protein sequence and biophysical properties (such as structural, functional, and spatial information, amino acid conservation, physicochemical variation, residue mobility, and thermodynamic stability) has been performed at Invitae for this missense variant, however the output from this modeling did not meet the statistical confidence thresholds required to predict the impact of this variant on FGD1 protein function. In summary, the available evidence is currently insufficient to determine the role of this variant in disease. Therefore, it has been classified as a Variant of Uncertain Significance.

NM_004463.3(FGD1):c.1726G>A (p.Glu576Lys)

Gene: FGD1 (FYVE, RhoGEF and PH domain containing 1; minus strand). Cytogenetic location: Xp11.22.
Variant type: single nucleotide variant.
Coding change: c.1726G>A on transcript NM_004463.3 (MANE Select); coding-DNA position 1726, G replaced by A.
Protein change: p.Glu576Lys; replaces glutamic acid 576 with lysine.
Molecular consequence: missense variant.
Genome position (GRCh38, 1-based): chrX:54,456,336, C>T on the plus strand (G>A on the coding strand, the complement: FGD1 is on the minus strand). VCF-style: chrX-54456336-C-T. GRCh37 (hg19) VCF-style: chrX-54482769-C-T.
Other names: short protein forms E576K.
Identifiers: ClinVar variation 3643054 (VCV003643054.2).